The following is an entry in ClinVar:

NM_005444.3(CNOT9):c.376G>T (p.Val126Phe)

Gene: CNOT9 (CCR4-NOT transcription complex subunit 9; plus strand). Cytogenetic location: 2q35.
Variant type: single nucleotide variant.
Coding change: c.376G>T on transcript NM_005444.3 (MANE Select); coding-DNA position 376, G replaced by T.
Protein change: p.Val126Phe; replaces valine 126 with phenylalanine.
Molecular consequence: missense variant.
Genome position (GRCh38, 1-based): chr2:218,584,667, G>T. VCF-style: chr2-218584667-G-T. GRCh37 (hg19) VCF-style: chr2-219449390-G-T.
Other names: c.376G>T, p.Val126Phe (NM_001271634.2, NM_001271635.2); short protein forms V126F.
Identifiers: ClinVar variation 3371726 (VCV003371726.1).

ClinVar aggregate classification (germline): Uncertain significance (1 of 4 stars; one submission).

Submission:

GeneDx
Classification: Uncertain significance. Last evaluated: 2024-03-27. Review status: criteria provided, single submitter. Criteria: GeneDx Variant Classification Process June 2021. Collection method: clinical testing. Allele origin: germline. Affected: yes.
Comment: Not observed at significant frequency in large population cohorts (gnomAD); In silico analysis supports that this missense variant has a deleterious effect on protein structure/function; Has not been previously published as pathogenic or benign to our knowledge; In silico analysis suggests this variant may impact gene splicing. In the absence of RNA/functional studies, the actual effect of this sequence change is unknown.